The following is an entry in ClinVar:

ClinVar aggregate classification (germline): Likely benign (1 of 4 stars; one submission).

Allele frequency attached by ClinVar (database versions not stated): gnomAD exomes 0.00001; gnomAD 0.00003; TOPMed 0.00003.
gnomAD v4.1: 31 of 1,511,156 alleles (0.0021%); highest among the groups gnomAD compares: African/African-American, 0.014%; no homozygotes.

Submission:

CeGaT Center for Human Genetics Tuebingen
Classification: Likely benign. Last evaluated: 2022-06-01. Review status: criteria provided, single submitter. Criteria: CeGaT Center For Human Genetics Tuebingen Variant Classification Criteria Version 2. Collection method: clinical testing. Allele origin: germline. Affected: yes. Observed: 1 variant allele.
Comment: CFAP221: BP4

NM_001271049.2(CFAP221):c.632-7C>G

Gene: CFAP221 (cilia and flagella associated protein 221; plus strand). Cytogenetic location: 2q14.2.
Variant type: single nucleotide variant.
Coding change: c.632-7C>G on transcript NM_001271049.2 (MANE Select); 7 bases into the intron before coding-DNA position 632, C replaced by G.
Molecular consequence: intron variant.
Genome position (GRCh38, 1-based): chr2:119,601,211, C>G. VCF-style: chr2-119601211-C-G. GRCh37 (hg19) VCF-style: chr2-120358787-C-G.
Identifiers: ClinVar variation 2651304 (VCV002651304.24), dbSNP rs1013800777, ClinGen allele CA54304698.